The following is an entry in ClinVar:

ClinVar aggregate classification (germline): Uncertain significance. Review status: criteria provided, multiple submitters, no conflicts (2 of 4 stars). 2 submissions from 2 submitters: Uncertain significance (2). Last evaluated 2022-09-26.

Conditions:
Inborn genetic diseases. Identifiers: MedGen C0950123, MeSH D030342.

Allele frequency attached by ClinVar (database versions not stated): gnomAD exomes below 0.00001.
gnomAD v4.1: 1 of 1,613,306 alleles (0.000062%); highest among the groups gnomAD compares: Non-Finnish European, 0.000085%; no homozygotes.

Submissions (2):

Ambry Genetics
Classification: Uncertain significance for Inborn genetic diseases. Last evaluated: 2022-09-26. Review status: criteria provided, single submitter. Criteria: Ambry Variant Classification Scheme 2023. Collection method: clinical testing. Allele origin: germline.
Comment: The p.N1296T variant (also known as c.3887A>C), located in coding exon 21 of the ATR gene, results from an A to C substitution at nucleotide position 3887. The asparagine at codon 1296 is replaced by threonine, an amino acid with similar properties. This amino acid position is conserved. In addition, this alteration is predicted to be tolerated by in silico analysis. Since supporting evidence is limited at this time, the clinical significance of this alteration remains unclear.

Labcorp Genetics (formerly Invitae), Labcorp
Classification: Uncertain significance. Last evaluated: 2022-04-10. Review status: criteria provided, single submitter. Criteria: Invitae Variant Classification Sherloc (09022015). Collection method: clinical testing. Allele origin: germline.
Comment: This variant is not present in population databases (gnomAD no frequency). This variant has not been reported in the literature in individuals affected with ATR-related conditions. Algorithms developed to predict the effect of missense changes on protein structure and function are either unavailable or do not agree on the potential impact of this missense change (SIFT: "Tolerated"; PolyPhen-2: "Probably Damaging"; Align-GVGD: "Class C0"). In summary, the available evidence is currently insufficient to determine the role of this variant in disease. Therefore, it has been classified as a Variant of Uncertain Significance. This sequence change replaces asparagine, which is neutral and polar, with threonine, which is neutral and polar, at codon 1296 of the ATR protein (p.Asn1296Thr).

NM_001184.4(ATR):c.3887A>C (p.Asn1296Thr)

Gene: ATR (ATR checkpoint kinase; minus strand). Cytogenetic location: 3q23.
Variant type: single nucleotide variant.
Coding change: c.3887A>C on transcript NM_001184.4 (MANE Select); coding-DNA position 3887, A replaced by C.
Protein change: p.Asn1296Thr; replaces asparagine 1296 with threonine.
Molecular consequence: missense variant.
Genome position (GRCh38, 1-based): chr3:142,535,138, T>G on the plus strand (A>C on the coding strand, the complement: ATR is on the minus strand). VCF-style: chr3-142535138-T-G. GRCh37 (hg19) VCF-style: chr3-142253980-T-G.
Other names: c.3695A>C, p.Asn1232Thr (NM_001354579.2); short protein forms N1296T, N1232T.
Identifiers: ClinVar variation 1735844 (VCV001735844.7), dbSNP rs2108424789, ClinGen allele CA354806160.